The following is an entry in ClinVar:

ClinVar aggregate classification (germline): Uncertain significance (1 of 4 stars; one submission).

Conditions:
Desmin-related myofibrillar myopathy (MFM1). Also called: Desminopathy; Desmin related myopathy (former name); Desmin storage myopathy (former name); MYOFIBRILLAR MYOPATHY WITH ARRHYTHMOGENIC RIGHT VENTRICULAR CARDIOMYOPATHY; DESMIN-RELATED MYOPATHY WITH ARRHYTHMOGENIC RIGHT VENTRICULAR CARDIOMYOPATHY; Myofibrillar myopathy 1. Identifiers: Orphanet 363543, Orphanet 98909, MedGen C1832370, MONDO:0011076, OMIM 601419.

Submission:

Labcorp Genetics (formerly Invitae), Labcorp
Classification: Uncertain significance for Desmin-related myofibrillar myopathy. Last evaluated: 2024-08-30. Review status: criteria provided, single submitter. Criteria: Invitae Variant Classification Sherloc (09022015). Collection method: clinical testing. Allele origin: germline.
Comment: This sequence change replaces aspartic acid, which is acidic and polar, with glutamic acid, which is acidic and polar, at codon 177 of the DES protein (p.Asp177Glu). This variant is not present in population databases (gnomAD no frequency). This variant has not been reported in the literature in individuals affected with DES-related conditions. Invitae Evidence Modeling of protein sequence and biophysical properties (such as structural, functional, and spatial information, amino acid conservation, physicochemical variation, residue mobility, and thermodynamic stability) indicates that this missense variant is not expected to disrupt DES protein function with a negative predictive value of 95%. In summary, the available evidence is currently insufficient to determine the role of this variant in disease. Therefore, it has been classified as a Variant of Uncertain Significance.

NM_001927.4(DES):c.531C>A (p.Asp177Glu)

Gene: DES (desmin; plus strand). Cytogenetic location: 2q35.
Variant type: single nucleotide variant.
Coding change: c.531C>A on transcript NM_001927.4 (MANE Select); coding-DNA position 531, C replaced by A.
Protein change: p.Asp177Glu; replaces aspartic acid 177 with glutamic acid.
Molecular consequence: missense variant. On other transcripts: intron variant (1).
Genome position (GRCh38, 1-based): chr2:219,418,993, C>A. VCF-style: chr2-219418993-C-A. GRCh37 (hg19) VCF-style: chr2-220283715-C-A.
Other names: c.531C>A, p.Asp177Glu (NM_001382708.1, NM_001382709.1, NM_001382710.1 and 2 more transcripts); c.495+36C>A (NM_001382713.1); short protein forms D177E.
Identifiers: ClinVar variation 3753084 (VCV003753084.2).